The following is an entry in ClinVar:

ClinVar aggregate classification (germline): Uncertain significance. Review status: criteria provided, single submitter (1 of 4 stars). 2 submissions from 2 submitters: Uncertain significance (1). 1 of the submissions does not count toward it. Last evaluated 2022-10-03.

Conditions:
Niemann-Pick disease, type C1. Also called: NIEMANN-PICK DISEASE, VARIANT TYPE C1; NEUROVISCERAL STORAGE DISEASE WITH VERTICAL SUPRANUCLEAR OPHTHALMOPLEGIA; NIEMANN-PICK DISEASE WITH CHOLESTEROL ESTERIFICATION BLOCK; NIEMANN-PICK DISEASE WITHOUT SPHINGOMYELINASE DEFICIENCY; NIEMANN-PICK DISEASE, CHRONIC NEURONOPATHIC FORM. Identifiers: Orphanet 646, MedGen C3179455, MONDO:0009757, OMIM 257220.
NPC1-related disorder. Also called: NPC1-related condition.

Allele frequency attached by ClinVar (database versions not stated): TOPMed 0.00001.
gnomAD v4.1: 1 of 1,614,180 alleles (0.000062%); no homozygotes.

Submissions (2):

Labcorp Genetics (formerly Invitae), Labcorp
Classification: Uncertain significance for Niemann-Pick disease, type C1. Last evaluated: 2022-10-03. Review status: criteria provided, single submitter. Criteria: Invitae Variant Classification Sherloc (09022015). Collection method: clinical testing. Allele origin: germline.
Comment: This sequence change replaces valine, which is neutral and non-polar, with methionine, which is neutral and non-polar, at codon 541 of the NPC1 protein (p.Val541Met). This variant is not present in population databases (gnomAD no frequency). This variant has not been reported in the literature in individuals affected with NPC1-related conditions. ClinVar contains an entry for this variant (Variation ID: 1467589). Advanced modeling of protein sequence and biophysical properties (such as structural, functional, and spatial information, amino acid conservation, physicochemical variation, residue mobility, and thermodynamic stability) performed at Invitae indicates that this missense variant is expected to disrupt NPC1 protein function. In summary, the available evidence is currently insufficient to determine the role of this variant in disease. Therefore, it has been classified as a Variant of Uncertain Significance.

PreventionGenetics, part of Exact Sciences
Classification: Uncertain significance for NPC1-related condition. Last evaluated: 2023-12-20. Review status: no assertion criteria provided. Collection method: clinical testing. Allele origin: germline. Not counted in ClinVar's aggregate classification.
Comment: The NPC1 c.1621G>A variant is predicted to result in the amino acid substitution p.Val541Met. To our knowledge, this variant has not been reported in the literature or in a large population database, indicating this variant is rare. At this time, the clinical significance of this variant is uncertain due to the absence of conclusive functional and genetic evidence.

NM_000271.5(NPC1):c.1621G>A (p.Val541Met)

Gene: NPC1 (NPC intracellular cholesterol transporter 1; minus strand). Cytogenetic location: 18q11.2.
Variant type: single nucleotide variant.
Coding change: c.1621G>A on transcript NM_000271.5 (MANE Select); coding-DNA position 1621, G replaced by A.
Protein change: p.Val541Met; replaces valine 541 with methionine.
Molecular consequence: missense variant.
Genome position (GRCh38, 1-based): chr18:23,551,660, C>T on the plus strand (G>A on the coding strand, the complement: NPC1 is on the minus strand). VCF-style: chr18-23551660-C-T. GRCh37 (hg19) VCF-style: chr18-21131624-C-T.
Other names: c.1621G>A (NM_000271.4); short protein forms V541M.
Identifiers: ClinVar variation 1467589 (VCV001467589.5), dbSNP rs2058874338, ClinGen allele CA401774786.